The following is an entry in ClinVar:

ClinVar aggregate classification (germline): Uncertain significance (1 of 4 stars; one submission).

Allele frequency attached by ClinVar (database versions not stated): gnomAD exomes below 0.00001; TOPMed below 0.00001; gnomAD 0.00001.
gnomAD v4.1: 4 of 1,612,960 alleles (0.00025%); highest among the groups gnomAD compares: Non-Finnish European, 0.00034%; no homozygotes.

Submission:

Labcorp Genetics (formerly Invitae), Labcorp
Classification: Uncertain significance. Last evaluated: 2023-10-06. Review status: criteria provided, single submitter. Criteria: Invitae Variant Classification Sherloc (09022015). Collection method: clinical testing. Allele origin: germline.
Comment: This sequence change replaces serine, which is neutral and polar, with glycine, which is neutral and non-polar, at codon 441 of the CAPN5 protein (p.Ser441Gly). This variant is not present in population databases (gnomAD no frequency). This variant has not been reported in the literature in individuals affected with CAPN5-related conditions. Advanced modeling of protein sequence and biophysical properties (such as structural, functional, and spatial information, amino acid conservation, physicochemical variation, residue mobility, and thermodynamic stability) performed at Invitae indicates that this missense variant is not expected to disrupt CAPN5 protein function. In summary, the available evidence is currently insufficient to determine the role of this variant in disease. Therefore, it has been classified as a Variant of Uncertain Significance.

NM_004055.5(CAPN5):c.1321A>G (p.Ser441Gly)

Gene: CAPN5 (calpain 5; plus strand). Cytogenetic location: 11q13.5.
Variant type: single nucleotide variant.
Coding change: c.1321A>G on transcript NM_004055.5 (MANE Select); coding-DNA position 1321, A replaced by G.
Protein change: p.Ser441Gly; replaces serine 441 with glycine.
Molecular consequence: missense variant.
Genome position (GRCh38, 1-based): chr11:77,120,743, A>G. VCF-style: chr11-77120743-A-G. GRCh37 (hg19) VCF-style: chr11-76831789-A-G.
Other names: c.1441A>G, p.Ser481Gly (NM_001425321.1); c.1321A>G, p.Ser441Gly (NM_001425322.1); c.1189A>G, p.Ser397Gly (NM_001425323.1); short protein forms S441G, S481G, S397G.
Identifiers: ClinVar variation 3003530 (VCV003003530.3), dbSNP rs961263528, ClinGen allele CA224830557.
Genomic context (GRCh38, chr11:77,120,743, plus strand): 5'-GCGTGGCCCAGCCCCTCCCGCCTCCTGCAGGTGGAGGAGAACCGCCAGTACCGCATGCAC[A>G]GCCTGCAGCACAAGGCCGCCAGCTCCATCTACATCAACTCACGCAGCGTCTTCCTGCGCA-3'
Protein context (NP_004046.2, residues 431-451): VEENRQYRMH[Ser441Gly]LQHKAASSIY